The following is an entry in ClinVar:

ClinVar aggregate classification (germline): Pathogenic (1 of 4 stars; one submission).

Conditions:
Spinocerebellar ataxia 47 (NEDMSF). Also called: neurodevelopmental disorder with motor abnormalities, seizures, and facial dysmorphism; PADDAS SYNDROME. Identifiers: Orphanet 642747, MedGen C4693672, MONDO:0033482, OMIM 620719.

Submission:

MVZ Medizinische Genetik Mainz
Classification: Pathogenic for Spinocerebellar ataxia 47. Last evaluated: 2026-04-27. Review status: criteria provided, single submitter. Criteria: UK Practice Guidelines For Variant Classification V4 01 2020. Collection method: clinical testing. Allele origin: germline. Inheritance: Autosomal dominant inheritance. Affected: yes. Observed: 1 variant allele.
Comment: ACMG Criteria: PVS1,PM2_SUP

NM_001020658.2(PUM1):c.1383T>G (p.Tyr461Ter)

Gene: PUM1 (pumilio RNA binding family member 1; minus strand). Cytogenetic location: 1p35.2.
Variant type: single nucleotide variant.
Coding change: c.1383T>G on transcript NM_001020658.2 (MANE Select); coding-DNA position 1383, T replaced by G.
Protein change: p.Tyr461Ter; replaces tyrosine 461 with a stop codon.
Molecular consequence: nonsense.
Genome position (GRCh38, 1-based): chr1:30,974,774, A>C on the plus strand (T>G on the coding strand, the complement: PUM1 is on the minus strand). VCF-style: chr1-30974774-A-C. GRCh37 (hg19) VCF-style: chr1-31447621-A-C.
Other names: c.1383T>G, p.Tyr461Ter (NM_014676.3); short protein forms Y461*.
Identifiers: ClinVar variation 5038237 (VCV005038237.1).
Genomic context (GRCh38, chr1:30,974,774, plus strand): 5'-GGCAGCGGCAGCTTGCTGCTGGAAAAGACTGGCAGGGTAGACTCCCCAGGGAGTAACTCC[A>C]TAATACTGGTGAGGGACCACAGCTGGGCCTAAAAATAGCAAAAGAAAGGTAAAGAAAGTC-3'